The following is an entry in ClinVar:

NM_004356.4(CD81):c.585T>C (p.Asp195=)

Gene: CD81 (CD81 molecule; plus strand). Cytogenetic location: 11p15.5.
Variant type: single nucleotide variant.
Coding change: c.585T>C on transcript NM_004356.4 (MANE Select); coding-DNA position 585, T replaced by C.
Protein change: p.Asp195=; no amino-acid change (aspartic acid 195 retained).
Molecular consequence: synonymous variant.
Genome position (GRCh38, 1-based): chr11:2,396,651, T>C. VCF-style: chr11-2396651-T-C. GRCh37 (hg19) VCF-style: chr11-2417881-T-C.
Other names: c.372T>C, p.Asp124= (NM_001297649.2).
Identifiers: ClinVar variation 2641355 (VCV002641355.28), dbSNP rs777292514, ClinGen allele CA5820114.

ClinVar aggregate classification (germline): Likely benign. Review status: criteria provided, multiple submitters, no conflicts (2 of 4 stars). 3 submissions from 3 submitters: Likely benign (3). Last evaluated 2025-09-29.

Allele frequency attached by ClinVar (database versions not stated): gnomAD 0.00004; TOPMed 0.00004; ExAC 0.00006; gnomAD exomes 0.00008.

Submissions (3):

Labcorp Genetics (formerly Invitae), Labcorp
Classification: Likely benign. Last evaluated: 2025-09-29. Review status: criteria provided, single submitter. Criteria: Invitae Variant Classification Sherloc (09022015). Collection method: clinical testing. Allele origin: germline.

Blueprint Genetics
Classification: Likely benign. Last evaluated: 2023-11-10. Review status: criteria provided, single submitter. Criteria: ACMG Guidelines, 2015. Collection method: clinical testing. Allele origin: germline.

CeGaT Center for Human Genetics Tuebingen
Classification: Likely benign. Last evaluated: 2022-10-01. Review status: criteria provided, single submitter. Criteria: CeGaT Center For Human Genetics Tuebingen Variant Classification Criteria Version 2. Collection method: clinical testing. Allele origin: germline. Affected: yes. Observed: 1 variant allele.
Comment: CD81: BP4, BP7